The following is an entry in ClinVar:

ClinVar aggregate classification (germline): Uncertain significance (1 of 4 stars; one submission).

Conditions:
Cardiovascular phenotype. Identifiers: MedGen CN230736.

Submission:

Ambry Genetics
Classification: Uncertain significance for Cardiovascular phenotype. Last evaluated: 2025-12-26. Review status: criteria provided, single submitter. Criteria: Ambry Variant Classification Scheme 2023. Collection method: clinical testing. Allele origin: germline.
Comment: The p.A1170G variant (also known as c.3509C>G), located in coding exon 20 of the SCN10A gene, results from a C to G substitution at nucleotide position 3509. The alanine at codon 1170 is replaced by glycine, an amino acid with similar properties. This amino acid position is conserved. In addition, the in silico prediction for this alteration is inconclusive. Based on the available evidence, the clinical significance of this variant remains unclear.

NM_006514.4(SCN10A):c.3509C>G (p.Ala1170Gly)

Gene: SCN10A (sodium voltage-gated channel alpha subunit 10; minus strand). Cytogenetic location: 3p22.2.
Variant type: single nucleotide variant.
Coding change: c.3509C>G on transcript NM_006514.4 (MANE Select); coding-DNA position 3509, C replaced by G.
Protein change: p.Ala1170Gly; replaces alanine 1170 with glycine.
Molecular consequence: missense variant.
Genome position (GRCh38, 1-based): chr3:38,718,825, G>C on the plus strand (C>G on the coding strand, the complement: SCN10A is on the minus strand). VCF-style: chr3-38718825-G-C. GRCh37 (hg19) VCF-style: chr3-38760316-G-C.
Other names: c.3506C>G, p.Ala1169Gly (NM_001293306.2); c.3215C>G, p.Ala1072Gly (NM_001293307.2); short protein forms A1072G, A1170G, A1169G.
Identifiers: ClinVar variation 4841931 (VCV004841931.1).
Genomic context (GRCh38, chr3:38,718,825, plus strand): 5'-TCAGTGTACTCCAGCAAAGCTTTCACCGTGGGCTTCTGGTCCAGGTAATAGTCTTCAAAG[G>C]CCTGGAAGGAAGAAAGGATGCAGAATGGCAGGCTGCCTGGACCCACAGCACTGGGGCCCA-3'
Protein context (NP_006505.4, residues 1160-1180): FMILLSSGSL[Ala1170Gly]FEDYYLDQKP